The following is an entry in ClinVar:

ClinVar aggregate classification (germline): Pathogenic (1 of 4 stars; one submission).

Conditions:
X-linked agammaglobulinemia with growth hormone deficiency (IGHD3). Also called: FLEISHER SYNDROME; Isolated growth hormone deficiency type 3; Growth hormone deficiency with hypogammaglobulinemia; AGAMMAGLOBULINEMIA AND ISOLATED GROWTH HORMONE DEFICIENCY, X-LINKED; HYPOGAMMAGLOBULINEMIA AND ISOLATED GROWTH HORMONE DEFICIENCY, X-LINKED; IGHD III. Identifiers: Orphanet 231692, Orphanet 631, MedGen C0472813, MONDO:0010615, OMIM 307200.

Submission:

Labcorp Genetics (formerly Invitae), Labcorp
Classification: Pathogenic for X-linked agammaglobulinemia with growth hormone deficiency. Last evaluated: 2022-12-27. Review status: criteria provided, single submitter. Criteria: Invitae Variant Classification Sherloc (09022015). Collection method: clinical testing. Allele origin: germline.
Comment: For these reasons, this variant has been classified as Pathogenic. This variant has not been reported in the literature in individuals affected with BTK-related conditions. This variant is not present in population databases (gnomAD no frequency). This sequence change creates a premature translational stop signal (p.Lys536*) in the BTK gene. It is expected to result in an absent or disrupted protein product. Loss-of-function variants in BTK are known to be pathogenic (PMID: 15661032, 16862044, 19419768).

Literature cited by the submitters: PubMed 15661032; PubMed 16862044; PubMed 19419768.

NM_000061.3(BTK):c.1606A>T (p.Lys536Ter)

Gene: BTK (Bruton tyrosine kinase; minus strand). Cytogenetic location: Xq22.1.
Variant type: single nucleotide variant.
Coding change: c.1606A>T on transcript NM_000061.3 (MANE Select); coding-DNA position 1606, A replaced by T.
Protein change: p.Lys536Ter; replaces lysine 536 with a stop codon.
Molecular consequence: nonsense.
Genome position (GRCh38, 1-based): chrX:101,354,655, T>A on the plus strand (A>T on the coding strand, the complement: BTK is on the minus strand). VCF-style: chrX-101354655-T-A. GRCh37 (hg19) VCF-style: chrX-100609643-T-A.
Other names: c.1708A>T, p.Lys570Ter (NM_001287344.2); c.1078A>T, p.Lys360Ter (NM_001287345.2); short protein forms K360*, K536*, K570*.
Identifiers: ClinVar variation 2824582 (VCV002824582.3), dbSNP rs1603003195, ClinGen allele CA413922123.